The following is an entry in ClinVar:

NM_022489.4(INF2):c.3103G>A (p.Gly1035Ser)

Gene: INF2 (inverted formin 2; plus strand). Cytogenetic location: 14q32.33.
Variant type: single nucleotide variant.
Coding change: c.3103G>A on transcript NM_022489.4 (MANE Select); coding-DNA position 3103, G replaced by A.
Protein change: p.Gly1035Ser; replaces glycine 1035 with serine.
Molecular consequence: missense variant.
Genome position (GRCh38, 1-based): chr14:104,714,265, G>A. VCF-style: chr14-104714265-G-A. GRCh37 (hg19) VCF-style: chr14-105180602-G-A.
Other names: c.3103G>A, p.Gly1035Ser (NM_001031714.4); short protein forms G1035S.
Identifiers: ClinVar variation 387417 (VCV000387417.53), dbSNP rs368995122, ClinGen allele CA7373180.
Genomic context (GRCh38, chr14:104,714,265, plus strand): 5'-GCCACCAGTAACCCTGCAGGAGATCCCGTGGGCAGCACGCGCTGTCCCGCCTCTGAGCCC[G>A]GCCTTGATGCTACAACAGCCAGCGAGTCCCGGGGCTGGGACCTTGTAGACGCCGTGACCC-3'
Protein context (NP_071934.3, residues 1025-1045): GSTRCPASEP[Gly1035Ser]LDATTASESR

ClinVar aggregate classification (germline): Conflicting classifications of pathogenicity. Review status: criteria provided, conflicting classifications (1 of 4 stars). 10 submissions from 10 submitters: Uncertain significance (1); Benign (2); Likely benign (7). Last evaluated 2026-05-01.

Conditions:
Charcot-Marie-Tooth disease dominant intermediate E. Also called: CHARCOT-MARIE-TOOTH NEUROPATHY WITH FOCAL SEGMENTAL GLOMERULONEPHRITIS. Identifiers: Orphanet 93114, MedGen C4302667, MONDO:0013758, OMIM 614455.
Focal segmental glomerulosclerosis 5 (FSGS5). Identifiers: Orphanet 656, MedGen C2750475, MONDO:0013191, OMIM 613237.
Inborn genetic diseases. Identifiers: MedGen C0950123, MeSH D030342.
INF2-related disorder. Also called: INF2-related condition.

Allele frequency attached by ClinVar (database versions not stated): ESP Exome Variant Server 0.00016; gnomAD exomes 0.00016; TOPMed 0.00016; gnomAD 0.00018 and 0.00019; ExAC 0.00020.
gnomAD v4.1: 468 of 1,593,742 alleles (0.029%); highest among the groups gnomAD compares: Non-Finnish European, 0.038%; no homozygotes.

Submissions (10):

CeGaT Center for Human Genetics Tuebingen
Classification: Likely benign. Last evaluated: 2026-05-01. Review status: criteria provided, single submitter. Criteria: CeGaT Center For Human Genetics Tuebingen Variant Classification Criteria Version 2. Collection method: clinical testing. Allele origin: germline. Affected: yes. Observed: 2 variant alleles.
Comment: INF2: BP4

Labcorp Genetics (formerly Invitae), Labcorp
Classification: Likely benign for Charcot-Marie-Tooth disease dominant intermediate E; Focal segmental glomerulosclerosis 5. Last evaluated: 2026-01-24. Review status: criteria provided, single submitter. Criteria: Invitae Variant Classification Sherloc (09022015). Collection method: clinical testing. Allele origin: germline.

PreventionGenetics, part of Exact Sciences
Classification: Likely benign for INF2-related condition. Last evaluated: 2025-12-29. Review status: criteria provided, single submitter. Criteria: ACMG Guidelines, 2015. Collection method: clinical testing. Allele origin: germline.
Comment: This variant is classified as likely benign based on ACMG/AMP sequence variant interpretation guidelines (Richards et al. 2015 PMID: 25741868, with internal and published modifications).

Mayo Clinic Laboratories, Mayo Clinic
Classification: Likely benign. Last evaluated: 2025-07-31. Review status: criteria provided, single submitter. Criteria: ACMG Guidelines, 2015. Collection method: clinical testing. Allele origin: germline. Observed: 2 variant alleles.
Comment: BS2, BP4

Women's Health and Genetics/Laboratory Corporation of America, LabCorp
Classification: Likely benign. Last evaluated: 2025-06-30. Review status: criteria provided, single submitter. Criteria: LabCorp Variant Classification Summary - May 2015. Collection method: clinical testing. Allele origin: germline.
Comment: Variant summary: INF2 c.3103G>A (p.Gly1035Ser) results in a non-conservative amino acid change in the encoded protein sequence. Algorithms developed to predict the effect of missense changes on protein structure and function are either unavailable or do not agree on the potential impact of this missense change. The variant allele was found at a frequency of 0.00016 in 217250 control chromosomes. The observed variant frequency is approximately 257.77 fold of the estimated maximal expected allele frequency for a pathogenic variant in INF2 causing Charcot-Marie-Tooth disease dominant intermediate E phenotype (6.3e-07). To our knowledge, no occurrence of c.3103G>A in individuals affected with Charcot-Marie-Tooth disease dominant intermediate E and no experimental evidence demonstrating its impact on protein function have been reported. ClinVar contains an entry for this variant (Variation ID: 387417). Based on the evidence outlined above, the variant was classified as likely benign.

Blueprint Genetics
Classification: Likely benign. Last evaluated: 2024-06-28. Review status: criteria provided, single submitter. Criteria: ACMG Guidelines, 2015. Collection method: clinical testing. Allele origin: germline.

Ambry Genetics
Classification: Benign for Inborn genetic diseases. Last evaluated: 2021-06-16. Review status: criteria provided, single submitter. Criteria: Ambry Variant Classification Scheme 2023. Collection method: clinical testing. Allele origin: germline.

GeneDx
Classification: Likely benign. Last evaluated: 2019-09-16. Review status: criteria provided, single submitter. Criteria: GeneDx Variant Classification Process June 2021. Collection method: clinical testing. Allele origin: germline. Affected: yes.

ARUP Laboratories, Molecular Genetics and Genomics, ARUP Laboratories
Classification: Uncertain significance. Last evaluated: 2018-01-12. Review status: criteria provided, single submitter. Criteria: ARUP Molecular Germline Variant Investigation Process. Collection method: clinical testing. Allele origin: germline.
Comment: The INF2 c.3103G>A; p.Gly1035Ser variant (rs368995122), to our knowledge, is not reported in the medical literature nor has it been previously identified by our laboratory. It is listed in the Genome Aggregation Database (gnomAD) browser with an allele frequency of 0.03% in the non-Finnish European population (identified in 33 out of 110,380 chromosomes), and is classified as likely benign/unknown significance in ClinVar (Variant ID: 387417). The glycine at position 1035 is weakly conserved, considering 12 species, and computational analyses of the effects of the p.Gly1035Ser variant on protein structure and function do not predict a deleterious effect (SIFT: tolerated, MutationTaster: polymorphism, PolyPhen-2: benign). Based on the available information, the clinical significance of the p.Gly1035Ser variant cannot be determined with certainty.

Illumina Laboratory Services, Illumina
Classification: Benign for Focal segmental glomerulosclerosis 5. Last evaluated: 2018-01-12. Review status: criteria provided, single submitter. Criteria: ICSL Variant Classification Criteria 13 December 2019. Collection method: clinical testing. Allele origin: germline.
Comment: This variant was observed in the ICSL laboratory as part of a predisposition screen in an ostensibly healthy population. It had not been previously curated by ICSL or reported in the Human Gene Mutation Database (HGMD: prior to June 1st, 2018), and was therefore a candidate for classification through an automated scoring system. Utilizing variant allele frequency, disease prevalence and penetrance estimates, and inheritance mode, an automated score was calculated to assess if this variant is too frequent to cause the disease. Based on the score and internal cut-off values, a variant classified as benign is not then subjected to further curation. The score for this variant resulted in a classification of benign for this disease.